The following is an entry in ClinVar:

NM_006493.4(CLN5):c.83G>A (p.Trp28Ter)

Genes: CLN5 (CLN5 lysosomal BMP synthase; plus strand), LOC130009913 (ATAC-STARR-seq lymphoblastoid silent region 5414; plus strand). Cytogenetic location: 13q22.3.
Variant type: single nucleotide variant.
Coding change: c.83G>A on transcript NM_006493.4 (MANE Select); coding-DNA position 83, G replaced by A.
Protein change: p.Trp28Ter; replaces tryptophan 28 with a stop codon.
Molecular consequence: nonsense.
Genome position (GRCh38, 1-based): chr13:76,992,181, G>A. VCF-style: chr13-76992181-G-A. GRCh37 (hg19) VCF-style: chr13-77566316-G-A.
Other names: c.83G>A, p.Trp28Ter (NM_001366624.2); short protein forms W28*.
Identifiers: ClinVar variation 863685 (VCV000863685.10), dbSNP rs1242337070, ClinGen allele CA388306513.

ClinVar aggregate classification (germline): Pathogenic. Review status: criteria provided, multiple submitters, no conflicts (2 of 4 stars). 2 submissions from 2 submitters: Pathogenic (2). Last evaluated 2024-02-26.

Conditions:
Neuronal ceroid lipofuscinosis 5 (CLN5). Also called: CEROID LIPOFUSCINOSIS, NEURONAL, 5, VARIABLE AGE AT ONSET; Neuronal ceroid lipofuscinosis Finnish variant; NEURONAL CEROID LIPOFUSCINOSIS, LATE INFANTILE, FINNISH VARIANT; CLN5-Related Neuronal Ceroid-Lipofuscinosis. Identifiers: Orphanet 168491, Orphanet 228360, MedGen C1850442, MONDO:0009745, OMIM 256731.
Neuronal ceroid lipofuscinosis. Also called: Neuronal Ceroid Lipofuscinoses. Identifiers: Orphanet 216, Orphanet 79263, MedGen C0027877, MONDO:0016295. Disease mechanism: loss of function.

Submissions (2):

Labcorp Genetics (formerly Invitae), Labcorp
Classification: Pathogenic for Neuronal ceroid lipofuscinosis. Last evaluated: 2024-02-26. Review status: criteria provided, single submitter. Criteria: Invitae Variant Classification Sherloc (09022015). Collection method: clinical testing. Allele origin: germline.
Comment: This sequence change creates a premature translational stop signal (p.Trp77*) in the CLN5 gene. It is expected to result in an absent or disrupted protein product. Loss-of-function variants in CLN5 are known to be pathogenic (PMID: 20157158). This variant is not present in population databases (gnomAD no frequency). This variant has not been reported in the literature in individuals affected with CLN5-related conditions. ClinVar contains an entry for this variant (Variation ID: 863685). For these reasons, this variant has been classified as Pathogenic.

Genome-Nilou Lab
Classification: Pathogenic for Neuronal ceroid lipofuscinosis 5. Last evaluated: 2021-08-10. Review status: criteria provided, single submitter. Criteria: ACMG Guidelines, 2015. Collection method: clinical testing. Allele origin: germline. Affected: no.

Literature cited by the submitters: PubMed 20157158 (cited by Labcorp Genetics (formerly Invitae), Labcorp).